The following is an entry in ClinVar:

ClinVar aggregate classification (germline): Uncertain significance (1 of 4 stars; one submission).

Conditions:
EP300-related disorder. Also called: EP300-related condition; EP300-related disorders.

gnomAD v4.1: 1 of 1,614,182 alleles (0.000062%); highest among the groups gnomAD compares: Non-Finnish European, 0.000085%; no homozygotes.

Submission:

PreventionGenetics, part of Exact Sciences
Classification: Uncertain significance for EP300-related condition. Last evaluated: 2024-12-17. Review status: criteria provided, single submitter. Criteria: ACMG Guidelines, 2015. Collection method: clinical testing. Allele origin: germline.
Comment: The EP300 c.2972A>T variant is predicted to result in the amino acid substitution p.Asp991Val. To our knowledge, this variant has not been reported in the literature or in a large population database (gnomAD), indicating this variant is rare. At this time, the clinical significance of this variant is uncertain due to the absence of conclusive functional and genetic evidence.

NM_001429.4(EP300):c.2972A>T (p.Asp991Val)

Genes: EP300 (EP300 lysine acetyltransferase; plus strand), LOC126863158 (BRD4-independent group 4 enhancer GRCh37_chr22:41547383-41548582; plus strand). Cytogenetic location: 22q13.2.
Variant type: single nucleotide variant.
Coding change: c.2972A>T on transcript NM_001429.4 (MANE Select); coding-DNA position 2972, A replaced by T.
Protein change: p.Asp991Val; replaces aspartic acid 991 with valine.
Molecular consequence: missense variant.
Genome position (GRCh38, 1-based): chr22:41,151,987, A>T. VCF-style: chr22-41151987-A-T. GRCh37 (hg19) VCF-style: chr22-41547991-A-T.
Other names: c.2894A>T, p.Asp965Val (NM_001362843.2); short protein forms D965V, D991V.
Identifiers: ClinVar variation 4983775 (VCV004983775.1).